The following is an entry in ClinVar:

NM_001375808.2(LPIN2):c.1781C>T (p.Pro594Leu)

Gene: LPIN2 (lipin 2; minus strand). Cytogenetic location: 18p11.31.
Variant type: single nucleotide variant.
Coding change: c.1781C>T on transcript NM_001375808.2 (MANE Select); coding-DNA position 1781, C replaced by T.
Protein change: p.Pro594Leu; replaces proline 594 with leucine.
Molecular consequence: missense variant.
Genome position (GRCh38, 1-based): chr18:2,926,735, G>A on the plus strand (C>T on the coding strand, the complement: LPIN2 is on the minus strand). VCF-style: chr18-2926735-G-A. GRCh37 (hg19) VCF-style: chr18-2926733-G-A.
Other names: c.1781C>T, p.Pro594Leu (NM_001375809.1, NM_014646.2); short protein forms P594L.
Identifiers: ClinVar variation 234498 (VCV000234498.23), dbSNP rs139826951, ClinGen allele CA8872970.

ClinVar aggregate classification (germline): Uncertain significance. Review status: criteria provided, multiple submitters, no conflicts (2 of 4 stars). 4 submissions from 4 submitters: Uncertain significance (4). Last evaluated 2024-10-16.

Conditions:
Majeed syndrome (MJDS). Also called: LPIN2-Related Majeed Syndrome; CHRONIC RECURRENT MULTIFOCAL OSTEOMYELITIS 1, WITH CONGENITAL DYSERYTHROPOIETIC ANEMIA, WITH OR WITHOUT NEUTROPHILIC DERMATOSIS. Identifiers: Orphanet 77297, MedGen C1864997, MONDO:0012316, OMIM 609628.

Allele frequency attached by ClinVar (database versions not stated): gnomAD exomes 0.00007; ExAC 0.00011; gnomAD 0.00025 and 0.00026; TOPMed 0.00025; ESP Exome Variant Server 0.00031; 1000 Genomes Project 30x 0.00047; 1000 Genomes Project 0.00060.
gnomAD v4.1: 82 of 1,613,064 alleles (0.0051%); highest among the groups gnomAD compares: African/African-American, 0.075%; no homozygotes.

Submissions (4):

Labcorp Genetics (formerly Invitae), Labcorp
Classification: Uncertain significance for Majeed syndrome. Last evaluated: 2024-10-16. Review status: criteria provided, single submitter. Criteria: Invitae Variant Classification Sherloc (09022015). Collection method: clinical testing. Allele origin: germline.
Comment: This sequence change replaces proline, which is neutral and non-polar, with leucine, which is neutral and non-polar, at codon 594 of the LPIN2 protein (p.Pro594Leu). This variant is present in population databases (rs139826951, gnomAD 0.07%). This variant has not been reported in the literature in individuals affected with LPIN2-related conditions. ClinVar contains an entry for this variant (Variation ID: 234498). Invitae Evidence Modeling of protein sequence and biophysical properties (such as structural, functional, and spatial information, amino acid conservation, physicochemical variation, residue mobility, and thermodynamic stability) indicates that this missense variant is not expected to disrupt LPIN2 protein function with a negative predictive value of 80%. In summary, the available evidence is currently insufficient to determine the role of this variant in disease. Therefore, it has been classified as a Variant of Uncertain Significance.

Revvity Omics, Revvity
Classification: Uncertain significance for Majeed syndrome. Last evaluated: 2024-08-22. Review status: criteria provided, single submitter. Criteria: ACMG Guidelines, 2015. Collection method: clinical testing. Allele origin: germline.

ARUP Laboratories, Molecular Genetics and Genomics, ARUP Laboratories
Classification: Uncertain significance for Majeed syndrome. Last evaluated: 2019-08-01. Review status: criteria provided, single submitter. Criteria: ARUP Molecular Germline Variant Investigation Process. Collection method: clinical testing. Allele origin: germline.
Comment: The LPIN2 c.1781C>T; p.Pro594Leu variant (rs139826951), to our knowledge, is not reported in the medical literature but is reported in ClinVar (Variation ID: 234498). This variant is found in the general population with an overall allele frequency of 0.009 % (24 / 281,290 alleles) in the Genome Aggregation Database. The proline at codon 594 is weakly conserved, and computational analyses (SIFT, PolyPhen-2) predict that this variant is tolerated. Due to limited information, the clinical significance of the p.Pro594Leu variant is uncertain at this time.

GeneDx
Classification: Uncertain significance. Last evaluated: 2018-06-22. Review status: criteria provided, single submitter. Criteria: GeneDx Variant Classification (06012015). Collection method: clinical testing. Allele origin: germline. Affected: yes.
Comment: The P594L variant has not been published as a pathogenic variant, nor has it been reported as a benign variant to our knowledge. The P594L variant is not observed at a significant frequency in large population cohorts (Lek et al., 2016). The P594L variant is a semi-conservative amino acid substitution, which may impact secondary protein structure as these residues differ in some properties. In-silico analyses, including protein predictors and evolutionary conservation, support that this variant does not alter protein structure/function. In summary, based on the currently available information, it is unclear whether this variant is a pathogenic variant or a rare benign variant.